The following is an entry in ClinVar:

NM_000836.4(GRIN2D):c.736C>T (p.Leu246Phe)

Gene: GRIN2D (glutamate ionotropic receptor NMDA type subunit 2D; plus strand). Cytogenetic location: 19q13.33.
Variant type: single nucleotide variant.
Coding change: c.736C>T on transcript NM_000836.4 (MANE Select); coding-DNA position 736, C replaced by T.
Protein change: p.Leu246Phe; replaces leucine 246 with phenylalanine.
Molecular consequence: missense variant.
Genome position (GRCh38, 1-based): chr19:48,405,004, C>T. VCF-style: chr19-48405004-C-T. GRCh37 (hg19) VCF-style: chr19-48908261-C-T.
Other names: short protein forms L246F.
Identifiers: ClinVar variation 1431631 (VCV001431631.6), dbSNP rs2147441680, ClinGen allele CA406692048.

ClinVar aggregate classification (germline): Uncertain significance (1 of 4 stars; one submission).

Submission:

Labcorp Genetics (formerly Invitae), Labcorp
Classification: Uncertain significance. Last evaluated: 2021-11-19. Review status: criteria provided, single submitter. Criteria: Invitae Variant Classification Sherloc (09022015). Collection method: clinical testing. Allele origin: germline.
Comment: In summary, the available evidence is currently insufficient to determine the role of this variant in disease. Therefore, it has been classified as a Variant of Uncertain Significance. This sequence change replaces leucine, which is neutral and non-polar, with phenylalanine, which is neutral and non-polar, at codon 246 of the GRIN2D protein (p.Leu246Phe). This variant is not present in population databases (gnomAD no frequency). This variant has not been reported in the literature in individuals affected with GRIN2D-related conditions. Algorithms developed to predict the effect of missense changes on protein structure and function are either unavailable or do not agree on the potential impact of this missense change (SIFT: "Deleterious"; PolyPhen-2: "Probably Damaging"; Align-GVGD: "Class C0").